The following is an entry in ClinVar:

NM_172362.3(KCNH1):c.964del (p.Met322fs)

Gene: KCNH1 (potassium voltage-gated channel subfamily H member 1; minus strand). Cytogenetic location: 1q32.2.
Variant type: Deletion.
Coding change: c.964del on transcript NM_172362.3 (MANE Select); coding-DNA position 964, one base deleted (A; older notation c.964delA).
Protein change: p.Met322fs; shifts the reading frame from methionine 322.
Molecular consequence: frameshift variant. On other transcripts: intron variant (1).
Genome position (GRCh38, 1-based): chr1:211,018,851, T deleted on the plus strand (A on the coding strand, the reverse complement: KCNH1 is on the minus strand). VCF-style (leftmost placement, unchanged base first): chr1-211018850-AT-A. GRCh37 (hg19) VCF-style: chr1-211192192-AT-A.
Other names: c.951+13del (NM_002238.4); short protein forms M322fs.
Identifiers: ClinVar variation 2982991 (VCV002982991.3), dbSNP rs746858537, ClinGen allele CA37149614.

ClinVar aggregate classification (germline): Uncertain significance (1 of 4 stars; one submission).

Allele frequency attached by ClinVar (database versions not stated): gnomAD exomes 0.00001.

Submission:

Labcorp Genetics (formerly Invitae), Labcorp
Classification: Uncertain significance. Last evaluated: 2024-09-17. Review status: criteria provided, single submitter. Criteria: Invitae Variant Classification Sherloc (09022015). Collection method: clinical testing. Allele origin: germline.
Comment: This sequence change creates a premature translational stop signal (p.Met322Trpfs*32) in the KCNH1 gene. It is expected to result in an absent or disrupted protein product. However, the current clinical and genetic evidence is not sufficient to establish whether loss-of-function variants in KCNH1 cause disease. This variant is present in population databases (rs746858537, gnomAD 0.003%). This variant has not been reported in the literature in individuals affected with KCNH1-related conditions. In summary, the available evidence is currently insufficient to determine the role of this variant in disease. Therefore, it has been classified as a Variant of Uncertain Significance.